The following is an entry in ClinVar:

ClinVar aggregate classification (germline): Pathogenic. Review status: criteria provided, multiple submitters, no conflicts (2 of 4 stars). 2 submissions from 2 submitters: Pathogenic (2). Last evaluated 2025-12-10.

Conditions:
Hereditary cancer-predisposing syndrome. Also called: Neoplastic Syndromes, Hereditary; Hereditary neoplastic syndrome; Hereditary Cancer Syndrome; Tumor predisposition. Identifiers: Orphanet 140162, MedGen C0027672, MeSH D009386, MONDO:0015356.
Cardiovascular phenotype. Identifiers: MedGen CN230736.

Submissions (2):

Ambry Genetics
Classification: Pathogenic for Cardiovascular phenotype; Hereditary cancer-predisposing syndrome. Last evaluated: 2025-12-10. Review status: criteria provided, single submitter. Criteria: Ambry Variant Classification Scheme 2023. Collection method: clinical testing. Allele origin: germline.
Comment: The c.220delG pathogenic mutation, located in coding exon 2 of the LZTR1 gene, results from a deletion of one nucleotide at nucleotide position 220, causing a translational frameshift with a predicted alternate stop codon (p.V74Wfs*27). This variant is considered to be rare based on population cohorts in the Genome Aggregation Database (gnomAD). This alteration is expected to result in loss of function by premature protein truncation or nonsense-mediated mRNA decay. Loss-of-function variants in LZTR1 are related to an increased risk for schwannomas and autosomal recessive Noonan syndrome; however, such associations with autosomal dominant Noonan syndrome have not been observed (Piotrowski A et al. Nat Genet. 2014 Feb;46:182-7; Yamamoto GL et al. J Med Genet. 2015 Jun;52:413-21; Johnston JJ et al. Genet Med. 2018 10;20:1175-1185). Based on the supporting evidence, this variant is pathogenic for an increased risk of LZTR1-related schwannomatosis (SWN) and would be expected to cause autosomal recessive Noonan syndrome when present along with a second pathogenic or likely pathogenic variant on the other allele; however, the association of this alteration with autosomal dominant Noonan syndrome is unlikely.

Labcorp Genetics (formerly Invitae), Labcorp
Classification: Pathogenic. Last evaluated: 2023-11-14. Review status: criteria provided, single submitter. Criteria: Invitae Variant Classification Sherloc (09022015). Collection method: clinical testing. Allele origin: germline.
Comment: This sequence change creates a premature translational stop signal (p.Val74Trpfs*27) in the LZTR1 gene. It is expected to result in an absent or disrupted protein product. Loss-of-function variants in LZTR1 are known to be pathogenic (PMID: 24362817, 25335493, 25480913, 25795793, 29469822, 30368668, 30442762, 30442766, 30481304, 30859559). This variant is not present in population databases (gnomAD no frequency). This variant has not been reported in the literature in individuals affected with LZTR1-related conditions. For these reasons, this variant has been classified as Pathogenic.

Literature cited by the submitters: PubMed 24362817 (cited by Labcorp Genetics (formerly Invitae), Labcorp); PubMed 25335493 (cited by Labcorp Genetics (formerly Invitae), Labcorp); PubMed 25480913 (cited by Labcorp Genetics (formerly Invitae), Labcorp); PubMed 25795793 (cited by Labcorp Genetics (formerly Invitae), Labcorp); PubMed 29469822 (cited by Labcorp Genetics (formerly Invitae), Labcorp); PubMed 30368668 (cited by Labcorp Genetics (formerly Invitae), Labcorp); PubMed 30442762 (cited by Labcorp Genetics (formerly Invitae), Labcorp); PubMed 30442766 (cited by Labcorp Genetics (formerly Invitae), Labcorp); PubMed 30481304 (cited by Labcorp Genetics (formerly Invitae), Labcorp); PubMed 30859559 (cited by Labcorp Genetics (formerly Invitae), Labcorp).

NM_006767.4(LZTR1):c.220del (p.Val74fs)

Gene: LZTR1 (leucine zipper like post translational regulator 1; plus strand). Cytogenetic location: 22q11.21.
Variant type: Deletion.
Coding change: c.220del on transcript NM_006767.4 (MANE Select); coding-DNA position 220, one base deleted (G; older notation c.220delG).
Protein change: p.Val74fs; shifts the reading frame from valine 74.
Molecular consequence: frameshift variant.
Genome position (GRCh38, 1-based): chr22:20,983,046, G deleted; the last of 2 consecutive G bases (chr22:20,983,045-20,983,046); deleting either gives the same sequence. VCF-style (leftmost placement, unchanged base first): chr22-20983044-TG-T. GRCh37 (hg19) VCF-style: chr22-21337333-TG-T.
Other names: c.220delG (NM_006767.3); short protein forms V74fs.
Identifiers: ClinVar variation 2972992 (VCV002972992.4), dbSNP rs2518608604, ClinGen allele CA2740094784.